The following is an entry in ClinVar:

ClinVar aggregate classification (germline): Pathogenic (1 of 4 stars; one submission).

Conditions:
Neutropenia, severe congenital, 1, autosomal dominant. Identifiers: MedGen C1859966, MONDO:0042490, OMIM 202700.
Cyclical neutropenia. Also called: Cyclic hematopoiesis; Cyclic Neutropenia. Identifiers: Orphanet 2686, MedGen C0221023, MONDO:0008090, OMIM 162800, HP:0040289. Disease mechanism: loss of function.

Submission:

Labcorp Genetics (formerly Invitae), Labcorp
Classification: Pathogenic for Neutropenia, severe congenital, 1, autosomal dominant; Cyclical neutropenia. Last evaluated: 2023-09-01. Review status: criteria provided, single submitter. Criteria: Invitae Variant Classification Sherloc (09022015). Collection method: clinical testing. Allele origin: germline.
Comment: For these reasons, this variant has been classified as Pathogenic. This variant disrupts the p.Phe43 amino acid residue in ELANE. Other variant(s) that disrupt this residue have been observed in individuals with ELANE-related conditions (PMID: 31321910), which suggests that this may be a clinically significant amino acid residue. Advanced modeling of protein sequence and biophysical properties (such as structural, functional, and spatial information, amino acid conservation, physicochemical variation, residue mobility, and thermodynamic stability) performed at Invitae indicates that this missense variant is expected to disrupt ELANE protein function. This missense change has been observed in individuals with severe congenital neutropenia or cyclic neutropenia (PMID: 14962902, 23463630, 34340247; Invitae). This variant is not present in population databases (gnomAD no frequency). This sequence change replaces phenylalanine, which is neutral and non-polar, with leucine, which is neutral and non-polar, at codon 43 of the ELANE protein (p.Phe43Leu).

Literature cited by the submitters: PubMed 31321910; PubMed 14962902; PubMed 23463630; PubMed 34340247.

NM_001972.4(ELANE):c.129C>G (p.Phe43Leu)

Gene: ELANE (elastase, neutrophil expressed; plus strand). Cytogenetic location: 19p13.3.
Variant type: single nucleotide variant.
Coding change: c.129C>G on transcript NM_001972.4 (MANE Select); coding-DNA position 129, C replaced by G.
Protein change: p.Phe43Leu; replaces phenylalanine 43 with leucine.
Molecular consequence: missense variant.
Genome position (GRCh38, 1-based): chr19:852,937, C>G. VCF-style: chr19-852937-C-G. GRCh37 (hg19) VCF-style: chr19-852937-C-G.
Other names: short protein forms F43L.
Identifiers: ClinVar variation 2947200 (VCV002947200.3), dbSNP rs2512164490, ClinGen allele CA402914501.